The following is an entry in ClinVar:

NM_003238.6(TGFB2):c.821del (p.Asn274fs)

Gene: TGFB2 (transforming growth factor beta 2; plus strand). Cytogenetic location: 1q41.
Variant type: Deletion.
Coding change: c.821del on transcript NM_003238.6 (MANE Select); coding-DNA position 821, one base deleted (A; older notation c.821delA).
Protein change: p.Asn274fs; shifts the reading frame from asparagine 274.
Molecular consequence: frameshift variant.
Genome position (GRCh38, 1-based): chr1:218,436,036, A deleted; the last of 8 consecutive A bases (chr1:218,436,029-218,436,036); deleting any one gives the same sequence. VCF-style (leftmost placement, unchanged base first): chr1-218436028-GA-G. GRCh37 (hg19) VCF-style: chr1-218609370-GA-G.
Other names: c.905del, p.Asn302fs (NM_001135599.4); short protein forms N274fs, N302fs.
Identifiers: ClinVar variation 1205778 (VCV001205778.8), dbSNP rs863223796, ClinGen allele CA423173179.

ClinVar aggregate classification (germline): Pathogenic. Review status: criteria provided, multiple submitters, no conflicts (2 of 4 stars). 2 submissions from 2 submitters: Pathogenic (2). Last evaluated 2022-09-20.

Conditions:
Loeys-Dietz syndrome 4 (LDS4). Also called: ANEURYSM, AORTIC AND CEREBRAL, WITH ARTERIAL TORTUOSITY AND SKELETAL MANIFESTATIONS; TGFB2-Related Loeys-Dietz Syndrome. Identifiers: MedGen C3553762, MONDO:0013897, OMIM 614816.

Submissions (2):

Labcorp Genetics (formerly Invitae), Labcorp
Classification: Pathogenic for Loeys-Dietz syndrome 4. Last evaluated: 2022-09-20. Review status: criteria provided, single submitter. Criteria: Invitae Variant Classification Sherloc (09022015). Collection method: clinical testing. Allele origin: germline.
Comment: This sequence change creates a premature translational stop signal (p.Asn274Thrfs*10) in the TGFB2 gene. It is expected to result in an absent or disrupted protein product. Loss-of-function variants in TGFB2 are known to be pathogenic (PMID: 22772368, 22772371, 30739908). For these reasons, this variant has been classified as Pathogenic. ClinVar contains an entry for this variant (Variation ID: 1205778). This variant has not been reported in the literature in individuals affected with TGFB2-related conditions. The frequency data for this variant in the population databases is considered unreliable, as metrics indicate poor data quality at this position in the gnomAD database.

GeneDx
Classification: Pathogenic. Last evaluated: 2019-04-18. Review status: criteria provided, single submitter. Criteria: GeneDx Variant Classification Process June 2021. Collection method: clinical testing. Allele origin: germline. Affected: yes.
Comment: Has not been previously published as pathogenic or benign to our knowledge; Not observed in large population cohorts (Lek et al., 2016); Frameshift variant predicted to result in protein truncation or nonsense mediated decay in a gene for which loss-of-function is a known mechanism of disease

Literature cited by the submitters: PubMed 22772368 (cited by Labcorp Genetics (formerly Invitae), Labcorp); PubMed 22772371 (cited by Labcorp Genetics (formerly Invitae), Labcorp); PubMed 30739908 (cited by Labcorp Genetics (formerly Invitae), Labcorp).